The following is an entry in ClinVar:

ClinVar aggregate classification (germline): Uncertain significance (1 of 4 stars; one submission).

Submission:

GeneDx
Classification: Uncertain significance. Last evaluated: 2020-10-05. Review status: criteria provided, single submitter. Criteria: GeneDx Variant Classification Process June 2021. Collection method: clinical testing. Allele origin: germline. Affected: yes.
Comment: Not observed in large population cohorts (Lek et al., 2016); In silico analysis, which includes protein predictors and evolutionary conservation, supports a deleterious effect; Has not been previously published as pathogenic or benign to our knowledge

NM_024757.5(EHMT1):c.1661C>T (p.Thr554Ile)

Gene: EHMT1 (euchromatic histone lysine methyltransferase 1; plus strand). Cytogenetic location: 9q34.3.
Variant type: single nucleotide variant.
Coding change: c.1661C>T on transcript NM_024757.5 (MANE Select); coding-DNA position 1661, C replaced by T.
Protein change: p.Thr554Ile; replaces threonine 554 with isoleucine.
Molecular consequence: missense variant.
Genome position (GRCh38, 1-based): chr9:137,775,122, C>T. VCF-style: chr9-137775122-C-T. GRCh37 (hg19) VCF-style: chr9-140669574-C-T.
Other names: c.1661C>T, p.Thr554Ile (NM_001145527.2); c.1568C>T, p.Thr523Ile (NM_001354259.2); c.1640C>T, p.Thr547Ile (NM_001354263.2); short protein forms T523I, T547I, T554I.
Identifiers: ClinVar variation 1309008 (VCV001309008.2), dbSNP rs372688489, ClinGen allele CA375773290.
Genomic context (GRCh38, chr9:137,775,122, plus strand): 5'-GGCCTCTCGTGACTCTGACATTGACCACCAGTCTTGTCTGATTGCAGTTGGGCCGGTGCA[C>T]AAACAGCGTGGTCAAGTATGAGCTGATGCGCCCCTCCAACAAGGCCCCGCTCCTCGTGCT-3'
Protein context (NP_079033.4, residues 544-564): ESVDHELGRC[Thr554Ile]NSVVKYELMR